The following is an entry in ClinVar:

NM_006651.4(CPLX1):c.315C>A (p.Cys105Ter)

Gene: CPLX1 (complexin 1; minus strand). Cytogenetic location: 4p16.3.
Variant type: single nucleotide variant.
Coding change: c.315C>A on transcript NM_006651.4 (MANE Select); coding-DNA position 315, C replaced by A.
Protein change: p.Cys105Ter; replaces cysteine 105 with a stop codon.
Molecular consequence: nonsense.
Genome position (GRCh38, 1-based): chr4:786,591, G>T on the plus strand (C>A on the coding strand, the complement: CPLX1 is on the minus strand). VCF-style: chr4-786591-G-T. GRCh37 (hg19) VCF-style: chr4-780379-G-T.
Other names: short protein forms C105*.
Identifiers: ClinVar variation 523649 (VCV000523649.4), dbSNP rs1553851860, ClinGen allele CA355921452.
Genomic context (GRCh38, chr4:786,591, plus strand): 5'-GGGCAGGTACTTGATGACGGTGTCCAGGATGCTCTCGTCCTCCTCCTCCACCTCGTCCCC[G>T]CAGCCCGGCGGGATGGCCTTCTTGGGCCGCGTCAAGCTCCCCTCGGAGTTGGCCTCCATG-3'

ClinVar aggregate classification (germline): Pathogenic/Likely pathogenic. Review status: criteria provided, multiple submitters, no conflicts (2 of 4 stars). 3 submissions from 3 submitters: Pathogenic (1); Likely pathogenic (1). 1 of the submissions does not count toward it. Last evaluated 2018-10-15.

Conditions:
Developmental and epileptic encephalopathy, 63. Also called: EPILEPTIC ENCEPHALOPATHY, EARLY INFANTILE, 63. Identifiers: MedGen C4693810, MONDO:0033372, OMIM 617976.

Submissions (3):

SIB Swiss Institute of Bioinformatics
Classification: Likely pathogenic for Developmental and epileptic encephalopathy, 63. Last evaluated: 2018-10-15. Review status: criteria provided, single submitter. Criteria: ACMG Guidelines, 2015. Collection method: curation. Allele origin: unknown.
Comment: This variant is interpreted as Likely Pathogenic, for Epileptic encephalopathy, early infantile, 63, autosomal recessive. The following ACMG Tag(s) were applied: PM2 => Absent from controls (or at extremely low frequency if recessive) in Exome Sequencing Project, 1000 Genomes Project, or Exome Aggregation Consortium. PVS1-Strong => PVS1 downgraded in strength to Strong (PubMed 28422131).

Institute of Human Genetics, University of Leipzig Medical Center
Classification: Pathogenic for Developmental and epileptic encephalopathy, 63. Last evaluated: 2017-06-25. Review status: criteria provided, single submitter. Criteria: ACMG Guidelines, 2015. Collection method: research. Allele origin: germline.

OMIM
Classification: Pathogenic for DEVELOPMENTAL AND EPILEPTIC ENCEPHALOPATHY 63. Last evaluated: 2020-11-17. Review status: no assertion criteria provided. Collection method: literature only. Allele origin: germline. Not counted in ClinVar's aggregate classification.

Literature cited by the submitters: PubMed 28422131 (cited by 3 submitters).